The following is an entry in ClinVar:

NM_005585.5(SMAD6):c.239C>G (p.Ala80Gly)

Gene: SMAD6 (SMAD family member 6; plus strand). Cytogenetic location: 15q22.31.
Variant type: single nucleotide variant.
Coding change: c.239C>G on transcript NM_005585.5 (MANE Select); coding-DNA position 239, C replaced by G.
Protein change: p.Ala80Gly; replaces alanine 80 with glycine.
Molecular consequence: missense variant. On other transcripts: non-coding transcript variant (1).
Genome position (GRCh38, 1-based): chr15:66,703,497, C>G. VCF-style: chr15-66703497-C-G. GRCh37 (hg19) VCF-style: chr15-66995835-C-G.
Other names: short protein forms A80G.
Identifiers: ClinVar variation 1710563 (VCV001710563.3), dbSNP rs1555434180, ClinGen allele CA392949017.

ClinVar aggregate classification (germline): Uncertain significance (1 of 4 stars; one submission).

gnomAD v4.1: 4 of 1,228,424 alleles (0.00033%); highest among the groups gnomAD compares: Non-Finnish European, 0.00041%; no homozygotes.

Submission:

GeneDx
Classification: Uncertain significance. Last evaluated: 2024-10-18. Review status: criteria provided, single submitter. Criteria: GeneDx Variant Classification Process June 2021. Collection method: clinical testing. Allele origin: germline. Affected: yes.
Comment: Not observed at significant frequency in large population cohorts (gnomAD); In silico analysis indicates that this missense variant does not alter protein structure/function; Has not been previously published as pathogenic or benign to our knowledge